The following is an entry in ClinVar:

ClinVar aggregate classification (germline): Uncertain significance. Review status: criteria provided, single submitter (1 of 4 stars). 2 submissions from 2 submitters: Uncertain significance (1). 1 of the submissions does not count toward it. Last evaluated 2021-08-31.

Conditions:
Hereditary insensitivity to pain with anhidrosis (CIPA). Also called: INSENSITIVITY TO PAIN, CONGENITAL, WITH ANHIDROSIS; FAMILIAL DYSAUTONOMIA, TYPE II; NEUROPATHY, CONGENITAL SENSORY, WITH ANHIDROSIS; hereditary sensory and autonomic neuropathy type 4; NTRK1 Congenital Insensitivity to Pain with Anhidrosis; HSAN Type IV. Identifiers: Orphanet 642, MedGen C0020074, MONDO:0009746, OMIM 256800.

Allele frequency attached by ClinVar (database versions not stated): TOPMed 0.00001; gnomAD 0.00003.

Submissions (2):

Labcorp Genetics (formerly Invitae), Labcorp
Classification: Uncertain significance for Hereditary insensitivity to pain with anhidrosis. Last evaluated: 2021-08-31. Review status: criteria provided, single submitter. Criteria: Invitae Variant Classification Sherloc (09022015). Collection method: clinical testing. Allele origin: germline.
Comment: This sequence change replaces aspartic acid with asparagine at codon 503 of the NTRK1 protein (p.Asp503Asn). The aspartic acid residue is highly conserved and there is a small physicochemical difference between aspartic acid and asparagine. This variant is not present in population databases (ExAC no frequency). This variant has not been reported in the literature in individuals affected with NTRK1-related conditions. Algorithms developed to predict the effect of missense changes on protein structure and function are either unavailable or do not agree on the potential impact of this missense change (SIFT: "Deleterious"; PolyPhen-2: "Probably Damaging"; Align-GVGD: "Class C15"). In summary, the available evidence is currently insufficient to determine the role of this variant in disease. Therefore, it has been classified as a Variant of Uncertain Significance.

Natera, Inc.
Classification: Uncertain significance for Hereditary insensitivity to pain with anhidrosis. Last evaluated: 2020-09-30. Review status: no assertion criteria provided. Collection method: clinical testing. Allele origin: germline. Not counted in ClinVar's aggregate classification.

NM_002529.4(NTRK1):c.1525G>A (p.Asp509Asn)

Gene: NTRK1 (neurotrophic receptor tyrosine kinase 1; plus strand). Cytogenetic location: 1q23.1.
Variant type: single nucleotide variant.
Coding change: c.1525G>A on transcript NM_002529.4 (MANE Select); coding-DNA position 1525, G replaced by A.
Protein change: p.Asp509Asn; replaces aspartic acid 509 with asparagine.
Molecular consequence: missense variant.
Genome position (GRCh38, 1-based): chr1:156,876,103, G>A. VCF-style: chr1-156876103-G-A. GRCh37 (hg19) VCF-style: chr1-156845895-G-A.
Other names: c.1417G>A, p.Asp473Asn (NM_001007792.1); c.1507G>A, p.Asp503Asn (NM_001012331.2); short protein forms D503N, D509N, D473N.
Identifiers: ClinVar variation 526729 (VCV000526729.7), dbSNP rs1035934237, ClinGen allele CA342937846.
Genomic context (GRCh38, chr1:156,876,103, plus strand): 5'-GACTGGGGCTACCGTCTGACCCTGCAAGCCCCCTCAGGTGTTCACCACATCAAGCGCCGG[G>A]ACATCGTGCTCAAGTGGGAGCTGGGGGAGGGCGCCTTTGGGAAGGTCTTCCTTGCTGAGT-3'
Protein context (NP_002520.2, residues 499-519): DACVHHIKRR[Asp509Asn]IVLKWELGEG